The following is an entry in ClinVar:

ClinVar aggregate classification (germline): Uncertain significance. Review status: reviewed by expert panel (3 of 4 stars). 2 submissions from 2 submitters: Uncertain significance (1). 1 of the submissions does not count toward it. Last evaluated 2025-02-25.

Conditions:
Hereditary thrombocytopenia and hematologic cancer predisposition syndrome. Identifiers: Orphanet 71290, MedGen CN281654, MONDO:0011071.
Hereditary thrombocytopenia and hematological cancer predisposition syndrome associated with RUNX1. Also called: PLATELET DISORDER, ASPIRIN-LIKE; RUNX1 Familial Platelet Disorder with Associated Myeloid Malignancies; Familial Platelet Disorder with Propensity to Acute Myelogenous Leukemia; Familial thrombocytopenia with propensity to acute myelogenous leukemia. Identifiers: Orphanet 71290, MedGen C1832388, MeSH C563324, MONDO:0100083, OMIM 601399.

Submissions (2):

ClinGen Myeloid Malignancy Variant Curation Expert Panel
Classification: Uncertain significance for Hereditary thrombocytopenia and hematologic cancer predisposition syndrome. Last evaluated: 2025-02-25. Review status: reviewed by expert panel. Criteria: ClinGen MyeloMalig ACMG Specifications v2. Collection method: curation. Allele origin: germline. Inheritance: Autosomal dominant inheritance.
Comment: NM_001754.5(RUNX1):c.*260C>A is a 3' UTR variant which does not meet any ACMG/AMP criteria. In summary, the clinical significance of this variant is uncertain. ACMG/AMP criteria applied, as specified by the Myeloid Malignancy Variant Curation Expert Panel for RUNX1: None.

Illumina Laboratory Services, Illumina
Classification: Uncertain significance for Hereditary thrombocytopenia and hematological cancer predisposition syndrome associated with RUNX1. Last evaluated: 2018-01-12. Review status: criteria provided, single submitter. Criteria: ICSL Variant Classification Criteria 13 December 2019. Collection method: clinical testing. Allele origin: germline. Not counted in ClinVar's aggregate classification.

NM_001754.5(RUNX1):c.*260C>A

Gene: RUNX1 (RUNX family transcription factor 1; minus strand). Cytogenetic location: 21q22.12.
Variant type: single nucleotide variant.
Coding change: c.*260C>A on transcript NM_001754.5 (MANE Select); 260 bases downstream of the stop codon, C replaced by A.
Molecular consequence: 3 prime UTR variant.
Genome position (GRCh38, 1-based): chr21:34,791,875, G>T on the plus strand (C>A on the coding strand, the complement: RUNX1 is on the minus strand). VCF-style: chr21-34791875-G-T. GRCh37 (hg19) VCF-style: chr21-36164172-G-T.
Other names: c.*260C>A (NM_001001890.3).
Identifiers: ClinVar variation 898858 (VCV000898858.5), dbSNP rs963200707, ClinGen allele CA1139666836.